The following is an entry in ClinVar:

ClinVar aggregate classification (germline): Pathogenic/Likely pathogenic. Review status: criteria provided, multiple submitters, no conflicts (2 of 4 stars). 9 submissions from 9 submitters: Pathogenic (5); Likely pathogenic (3). 1 of the submissions does not count toward it. Last evaluated 2025-12-17.

Conditions:
Hereditary cancer-predisposing syndrome. Also called: Tumor predisposition; Neoplastic Syndromes, Hereditary; Hereditary neoplastic syndrome; Hereditary Cancer Syndrome. Identifiers: Orphanet 140162, MedGen C0027672, MeSH D009386, MONDO:0015356.
Bloom syndrome (BLM). Also called: Bloom-Torre-Machacek syndrome. Identifiers: Orphanet 125, MedGen C0005859, MONDO:0008876, OMIM 210900.

Submissions (9):

Myriad Genetics, Inc.
Classification: Pathogenic for Bloom syndrome. Last evaluated: 2025-12-17. Review status: criteria provided, single submitter. Criteria: Myriad Autosomal Dominant, Autosomal Recessive and X-Linked Classification Criteria (2023). Collection method: clinical testing. Allele origin: unknown.
Comment: This variant is considered pathogenic. This variant creates a frameshift predicted to result in premature protein truncation.

Labcorp Genetics (formerly Invitae), Labcorp
Classification: Pathogenic for Bloom syndrome. Last evaluated: 2025-12-10. Review status: criteria provided, single submitter. Criteria: Invitae Variant Classification Sherloc (09022015). Collection method: clinical testing. Allele origin: germline.
Comment: This sequence change creates a premature translational stop signal (p.Gln100Glufs*42) in the BLM gene. It is expected to result in an absent or disrupted protein product. Loss-of-function variants in BLM are known to be pathogenic (PMID: 17407155). This variant is present in population databases (rs745807085, gnomAD 0.006%). This premature translational stop signal has been observed in individual(s) with pancreatic ductal adenocarcinoma (PMID: 26546047). ClinVar contains an entry for this variant (Variation ID: 371569). For these reasons, this variant has been classified as Pathogenic.

Natera, Inc.
Classification: Likely pathogenic for Bloom syndrome. Last evaluated: 2025-03-31. Review status: criteria provided, single submitter. Criteria: Natera Variant Classification Schema (03/2026). Collection method: clinical testing. Allele origin: germline.
Comment: The c.298_299delCA variant in BLM is a frameshift variant predicted to shift the reading frame beginning at codon 100 and leads to a stop codon 42 codons downstream. This variant is expected to result in nonsense mediated decay, truncation, or a dysfunctional protein product. This variant is rare in the general population with a frequency below the threshold expected for the associated phenotype(s). Given the available evidence, this variant is classified as Likely Pathogenic.

GeneDx
Classification: Likely pathogenic. Last evaluated: 2025-01-02. Review status: criteria provided, single submitter. Criteria: GeneDx Variant Classification Process June 2021. Collection method: clinical testing. Allele origin: germline.
Comment: Identified in a patient with personal and family history of pancreatic cancer (PMID: 26546047); Not observed at significant frequency in large population cohorts (gnomAD); Frameshift variant predicted to result in protein truncation or nonsense mediated decay in a gene for which loss of function is a known mechanism of disease; This variant is associated with the following publications: (PMID: 31589614, 29625052, 26546047, 36451132)

Baylor Genetics
Classification: Pathogenic for Bloom syndrome. Last evaluated: 2024-03-17. Review status: criteria provided, single submitter. Criteria: ACMG Guidelines, 2015. Collection method: clinical testing. Allele origin: unknown.

Ambry Genetics
Classification: Pathogenic for Hereditary cancer-predisposing syndrome. Last evaluated: 2022-07-22. Review status: criteria provided, single submitter. Criteria: Ambry Variant Classification Scheme 2023. Collection method: clinical testing. Allele origin: germline.
Comment: The c.298_299delCA pathogenic mutation, located in coding exon 2 of the BLM gene, results from a deletion of two nucleotides at nucleotide positions 298 to 299, causing a translational frameshift with a predicted alternate stop codon (p.Q100Efs*42). This alteration was detected by whole exome sequencing in a pancreatic cancer patient and segregated in 2 out of 3 pancreatic cancer affected family members and/or obligate carriers; a predicted pathogenic alteration was also detected in the SPP1 gene in the proband (Smith AL et al. Cancer Lett. 2016 Jan 28;370(2):302-12). In addition to the clinical data presented in the literature, this alteration is expected to result in loss of function by premature protein truncation or nonsense-mediated mRNA decay. As such, this alteration is interpreted as a disease-causing mutation.

Sema4
Classification: Likely pathogenic for Hereditary cancer-predisposing syndrome. Last evaluated: 2021-07-14. Review status: criteria provided, single submitter. Criteria: Sema4 Curation Guidelines. Collection method: curation. Allele origin: germline.
Comment: The BLM c.298_299delCA (p.Q100EfsX42) variant has been reported in heterozygosity in at least 1 individual with pancreatic cancer (PMID: 26546047). This variant causes a frameshift at amino acid 100 that results in premature termination 42 amino acids downstream. At this location, this is predicted to cause nonsense-mediated decay and result in an absent protein (loss of function). Loss of function variants in BLM are known to be pathogenic (PMID: 17407155). This variant was observed in 2/34590 chromosomes in the Latino population, according to the Genome Aggregation Database (PMID: 32461654). This variant has been reported in ClinVar (Variation ID: 371569). Based on the current evidence available, this variant is interpreted as likely pathogenic.

Mendelics
Classification: Pathogenic for Bloom syndrome. Last evaluated: 2018-07-02. Review status: criteria provided, single submitter. Criteria: Mendelics Assertion Criteria 2017. Collection method: clinical testing. Allele origin: unknown.

Counsyl
Classification: Likely pathogenic for Bloom syndrome. Last evaluated: 2016-10-18. Review status: no assertion criteria provided. Collection method: clinical testing. Allele origin: unknown. Not counted in ClinVar's aggregate classification.

Literature cited by the submitters: PubMed 17407155 (cited by Labcorp Genetics (formerly Invitae), Labcorp and Sema4); PubMed 26546047 (cited by Labcorp Genetics (formerly Invitae), Labcorp and Sema4).

NM_000057.4(BLM):c.298_299del (p.Gln100fs)

Gene: BLM (BLM RecQ like helicase; plus strand). Cytogenetic location: 15q26.1.
Variant type: Microsatellite.
Coding change: c.298_299del on transcript NM_000057.4 (MANE Select); coding-DNA positions 298 to 299, 2 bases deleted (CA; older notation c.298_299delCA).
Protein change: p.Gln100fs; shifts the reading frame from glutamine 100.
Molecular consequence: frameshift variant. On other transcripts: 5 prime UTR variant (1).
Genome position (GRCh38, 1-based): chr15:90,749,566-90,749,567, CA deleted; deleting any 2 consecutive bases within chr15:90,749,563-90,749,567 gives the same sequence; the c. name uses the placement nearest the transcript's 3' end. VCF-style (leftmost placement, unchanged base first): chr15-90749562-AAC-A. GRCh37 (hg19) VCF-style: chr15-91292792-AAC-A.
Other names: c.298_299delCA (NM_000057.2); c.298_299del, p.Gln100fs (NM_001287246.2, NM_001287247.2); c.-996CA[1] (NM_001287248.2); c.298_299del (NM_000057.3); short protein forms Q100fs.
Identifiers: ClinVar variation 371569 (VCV000371569.26), dbSNP rs745807085, ClinGen allele CA7738272.